The following is an entry in ClinVar:

ClinVar aggregate classification (germline): Uncertain significance (1 of 4 stars; one submission).

Conditions:
Gastrointestinal stromal tumor. Also called: Gastrointestinal stromal tumor, somatic; Gastrointestinal stroma tumor. Identifiers: Orphanet 44890, MedGen C0238198, MeSH D046152, MONDO:0011719, OMIM 606764, HP:0100723.

Submission:

Labcorp Genetics (formerly Invitae), Labcorp
Classification: Uncertain significance for Gastrointestinal stromal tumor. Last evaluated: 2018-05-29. Review status: criteria provided, single submitter. Criteria: Invitae Variant Classification Sherloc (09022015). Collection method: clinical testing. Allele origin: germline.
Comment: This sequence change replaces valine with tyrosine at codon 469 of the PDGFRA protein (p.Val469Tyr). The valine residue is weakly conserved and there is a small physicochemical difference between valine and tyrosine. This variant is not present in population databases (ExAC no frequency). This variant has not been reported in the literature in individuals with PDGFRA-related disease. Algorithms developed to predict the effect of missense changes on protein structure and function (SIFT, PolyPhen-2, Align-GVGD) all suggest that this variant is likely to be tolerated, but these predictions have not been confirmed by published functional studies and their clinical significance is uncertain. In summary, the available evidence is currently insufficient to determine the role of this variant in disease. Therefore, it has been classified as a Variant of Uncertain Significance.

NM_006206.6(PDGFRA):c.1405_1406delinsTA (p.Val469Tyr)

Gene: PDGFRA (platelet derived growth factor receptor alpha; plus strand). Cytogenetic location: 4q12.
Variant type: Indel.
Coding change: c.1405_1406delinsTA on transcript NM_006206.6 (MANE Select); coding-DNA positions 1405 to 1406, GT replaced by TA.
Protein change: p.Val469Tyr; replaces valine 469 with tyrosine.
Molecular consequence: missense variant.
Genome position (GRCh38, 1-based): chr4:54,273,577-54,273,578, GT replaced by TA. VCF-style: chr4-54273577-GT-TA. GRCh37 (hg19) VCF-style: chr4-55139744-GT-TA.
Other names: c.1405_1406delinsTA, p.Val469Tyr (NM_001347827.2, NM_001347829.2); c.1480_1481delinsTA, p.Val494Tyr (NM_001347828.2); c.1444_1445delinsTA, p.Val482Tyr (NM_001347830.2); short protein forms V469Y, V494Y, V482Y.
Identifiers: ClinVar variation 565485 (VCV000565485.7), dbSNP rs1560478761, ClinGen allele CA891842613.